The following is an entry in ClinVar:

NM_001161352.2(KCNMA1):c.1334+1G>T

Gene: KCNMA1 (potassium calcium-activated channel subfamily M alpha 1; minus strand). Cytogenetic location: 10q22.3.
Variant type: single nucleotide variant.
Coding change: c.1334+1G>T on transcript NM_001161352.2 (MANE Select); the canonical splice donor site of the intron after coding-DNA position 1334, G replaced by T.
Molecular consequence: splice donor variant.
Genome position (GRCh38, 1-based): chr10:77,090,399, C>A on the plus strand (G>T on the coding strand, the complement: KCNMA1 is on the minus strand). VCF-style: chr10-77090399-C-A. GRCh37 (hg19) VCF-style: chr10-78850157-C-A.
Other names: c.1172+1G>T (NM_001271518.2); c.1334+1G>T (NM_001322832.2, NM_001410940.1, NM_001322829.2 and 8 more transcripts); c.794+1G>T (NM_001322838.2).
Identifiers: ClinVar variation 1526134 (VCV001526134.1), dbSNP rs2153792212, ClinGen allele CA377407815.

ClinVar aggregate classification (germline): Likely pathogenic (1 of 4 stars; one submission).

Conditions:
Liang-Wang syndrome. Identifiers: Orphanet 664438, MedGen C5231479, MONDO:0032886, OMIM 618729.

Submission:

3billion
Classification: Likely pathogenic for Liang-Wang syndrome. Last evaluated: 2022-03-22. Review status: criteria provided, single submitter. Criteria: ACMG Guidelines, 2015. Collection method: clinical testing. Allele origin: germline. Affected: yes. Observed: 1 heterozygote.
Comment: Canonical splice site: predicted to alter splicing and result in a loss or disruption of normal protein function through nonsense-mediated decay (NMD) or protein truncation. Multiple pathogenic variants are reported downstream of the variant.It is not observed in the gnomAD v2.1.1 dataset. Therefore, this variant is classified as likely pathogenic according to the recommendation of ACMG/AMP guideline.